The following is an entry in ClinVar:

ClinVar aggregate classification (germline): Uncertain significance (1 of 4 stars; one submission).

Conditions:
Hereditary spastic paraplegia 28. Also called: Spastic paraplegia 28, autosomal recessive. Identifiers: Orphanet 101008, MedGen C1836295, MONDO:0012256, OMIM 609340.

Allele frequency attached by ClinVar (database versions not stated): gnomAD exomes 0.00001; TOPMed below 0.00001; ExAC 0.00001.
gnomAD v4.1: 9 of 1,613,686 alleles (0.00056%); highest among the groups gnomAD compares: South Asian, 0.0088%; no homozygotes.

Submission:

Labcorp Genetics (formerly Invitae), Labcorp
Classification: Uncertain significance for Hereditary spastic paraplegia 28. Last evaluated: 2021-07-28. Review status: criteria provided, single submitter. Criteria: Invitae Variant Classification Sherloc (09022015). Collection method: clinical testing. Allele origin: germline.
Comment: In summary, the available evidence is currently insufficient to determine the role of this variant in disease. Therefore, it has been classified as a Variant of Uncertain Significance. Algorithms developed to predict the effect of missense changes on protein structure and function are either unavailable or do not agree on the potential impact of this missense change (SIFT: "Deleterious"; PolyPhen-2: "Benign"; Align-GVGD: "Class C0"). This variant has not been reported in the literature in individuals affected with DDHD1-related conditions. This variant is present in population databases (rs746305110, ExAC 0.006%). This sequence change replaces aspartic acid with glycine at codon 588 of the DDHD1 protein (p.Asp588Gly). The aspartic acid residue is moderately conserved and there is a moderate physicochemical difference between aspartic acid and glycine.

NM_001160148.2(DDHD1):c.1742A>G (p.Asp581Gly)

Gene: DDHD1 (DDHD domain containing 1; minus strand). Cytogenetic location: 14q22.1.
Variant type: single nucleotide variant.
Coding change: c.1742A>G on transcript NM_001160148.2 (MANE Select); coding-DNA position 1742, A replaced by G.
Protein change: p.Asp581Gly; replaces aspartic acid 581 with glycine.
Molecular consequence: missense variant.
Genome position (GRCh38, 1-based): chr14:53,062,967, T>C on the plus strand (A>G on the coding strand, the complement: DDHD1 is on the minus strand). VCF-style: chr14-53062967-T-C. GRCh37 (hg19) VCF-style: chr14-53529685-T-C.
Other names: c.1763A>G, p.Asp588Gly (NM_001160147.2); c.1742A>G, p.Asp581Gly (NM_030637.3); short protein forms D581G, D588G.
Identifiers: ClinVar variation 1493762 (VCV001493762.6), dbSNP rs746305110, ClinGen allele CA7191168.